The following is an entry in ClinVar:

NM_000439.5(PCSK1):c.500A>G (p.Asp167Gly)

Genes: CAST (calpastatin; plus strand), PCSK1 (proprotein convertase subtilisin/kexin type 1; minus strand), LOC101929710 (uncharacterized LOC101929710; plus strand). Cytogenetic location: 5q15.
Variant type: single nucleotide variant.
Coding change: c.500A>G on transcript NM_000439.5 (MANE Select); coding-DNA position 500, A replaced by G.
Protein change: p.Asp167Gly; replaces aspartic acid 167 with glycine.
Molecular consequence: missense variant. On other transcripts: intron variant (11).
Genome position (GRCh38, 1-based): chr5:96,423,356, T>C on the plus strand (A>G on the coding strand, the complement: PCSK1 is on the minus strand). VCF-style: chr5-96423356-T-C. GRCh37 (hg19) VCF-style: chr5-95759060-T-C.
Other names: c.359A>G, p.Asp120Gly (NM_001177875.2); c.-175+43704T>C (NM_001423254.1, NM_001423259.1, NM_001423255.1 and 6 more transcripts); c.-103+43704T>C (NM_001423253.1); c.-40+43704T>C (NM_001423258.1); short protein forms D120G, D167G.
Identifiers: ClinVar variation 4992154 (VCV004992154.1).
Genomic context (GRCh38, chr5:96,423,356, plus strand): 5'-AGAAGGCACACACTTACATAGTTGGCATAAATGTCCGTGTGATTCCACTCCAAACCATCA[T>C]CCAGTACGGTGATAACAACTCCTTTGCCCGTAATGCCTTTTTGCCAAACAGGTATCACAT-3'
Protein context (NP_000430.3, residues 157-177): TGKGVVITVL[Asp167Gly]DGLEWNHTDI

ClinVar aggregate classification (germline): Uncertain significance (1 of 4 stars; one submission).

Conditions:
PCSK1-related disorder. Also called: PCSK1-related condition.

Submission:

PreventionGenetics, part of Exact Sciences
Classification: Uncertain significance for PCSK1-related condition. Last evaluated: 2026-05-23. Review status: criteria provided, single submitter. Criteria: ACMG Guidelines, 2015. Collection method: clinical testing. Allele origin: germline.
Comment: The PCSK1 c.500A>G variant is predicted to result in the amino acid substitution p.Asp167Gly. To our knowledge, this variant has not been reported in the literature or in a large population database (gnomAD), indicating this variant is rare. At this time, the clinical significance of this variant is uncertain due to the absence of conclusive functional and genetic evidence.